The following is an entry in ClinVar:

ClinVar aggregate classification (germline): Likely benign (1 of 4 stars; one submission).

gnomAD v4.1: 11 of 1,613,990 alleles (0.00068%); highest among the groups gnomAD compares: Admixed American, 0.0067%; no homozygotes.

Submission:

Mayo Clinic Laboratories, Mayo Clinic
Classification: Likely benign. Last evaluated: 2025-09-28. Review status: criteria provided, single submitter. Criteria: ACMG Guidelines, 2015. Collection method: clinical testing. Allele origin: germline. Observed: 1 variant allele.
Comment: BP4, BP7

NM_052867.4(NALCN):c.3699C>T (p.Val1233=)

Gene: NALCN (sodium leak channel, non-selective; minus strand). Cytogenetic location: 13q32.3.
Variant type: single nucleotide variant.
Coding change: c.3699C>T on transcript NM_052867.4 (MANE Select); coding-DNA position 3699, C replaced by T.
Protein change: p.Val1233=; no amino-acid change (valine 1233 retained).
Molecular consequence: synonymous variant.
Genome position (GRCh38, 1-based): chr13:101,082,875, G>A on the plus strand (C>T on the coding strand, the complement: NALCN is on the minus strand). VCF-style: chr13-101082875-G-A. GRCh37 (hg19) VCF-style: chr13-101735226-G-A.
Other names: p.Val1233=; c.3786C>T, p.Val1262= (NM_001350748.2); c.3699C>T, p.Val1233= (NM_001350749.2); c.3612C>T, p.Val1204= (NM_001350750.2, NM_001350751.2).
Identifiers: ClinVar variation 4683828 (VCV004683828.1).